The following is an entry in ClinVar:

ClinVar aggregate classification (germline): Likely benign. Review status: criteria provided, single submitter (1 of 4 stars). 2 submissions from 2 submitters: Likely benign (1). 1 of the submissions does not count toward it. Last evaluated 2024-11-26.

Conditions:
EXO1-related disorder. Also called: EXO1-related condition.

Allele frequency attached by ClinVar (database versions not stated): 1000 Genomes Project 30x 0.01156; 1000 Genomes Project 0.01258; TOPMed 0.01915; gnomAD 0.02156; ESP Exome Variant Server 0.02468.

Submissions (2):

Blueprint Genetics
Classification: Likely benign. Last evaluated: 2024-11-26. Review status: criteria provided, single submitter. Criteria: ACMG Guidelines, 2015. Collection method: clinical testing. Allele origin: germline.

PreventionGenetics, part of Exact Sciences
Classification: Benign for EXO1-related condition. Last evaluated: 2019-10-28. Review status: no assertion criteria provided. Collection method: clinical testing. Allele origin: germline. Not counted in ClinVar's aggregate classification.
Comment: This variant is classified as benign based on ACMG/AMP sequence variant interpretation guidelines (Richards et al. 2015 PMID: 25741868, with internal and published modifications).

NM_130398.4(EXO1):c.836A>G (p.Asn279Ser)

Gene: EXO1 (exonuclease 1; plus strand). Cytogenetic location: 1q43.
Variant type: single nucleotide variant.
Coding change: c.836A>G on transcript NM_130398.4 (MANE Select); coding-DNA position 836, A replaced by G.
Protein change: p.Asn279Ser; replaces asparagine 279 with serine.
Molecular consequence: missense variant.
Genome position (GRCh38, 1-based): chr1:241,860,596, A>G. VCF-style: chr1-241860596-A-G. GRCh37 (hg19) VCF-style: chr1-242023898-A-G.
Other names: c.836A>G, p.Asn279Ser (NM_001319224.2, NM_003686.4, NM_006027.4); short protein forms N279S.
Identifiers: ClinVar variation 3038266 (VCV003038266.3), dbSNP rs4149909, ClinGen allele CA1481172.